The following is an entry in ClinVar:

NM_001365536.1(SCN9A):c.2930C>G (p.Thr977Arg)

Genes: SCN9A (sodium voltage-gated channel alpha subunit 9; minus strand), SCN1A-AS1 (SCN1A and SCN9A antisense RNA 1; plus strand). Cytogenetic location: 2q24.3.
Variant type: single nucleotide variant.
Coding change: c.2930C>G on transcript NM_001365536.1 (MANE Select); coding-DNA position 2930, C replaced by G.
Protein change: p.Thr977Arg; replaces threonine 977 with arginine.
Molecular consequence: missense variant.
Genome position (GRCh38, 1-based): chr2:166,272,820, G>C on the plus strand (C>G on the coding strand, the complement: SCN9A is on the minus strand). VCF-style: chr2-166272820-G-C. GRCh37 (hg19) VCF-style: chr2-167129330-G-C.
Other names: c.2897C>G, p.Thr966Arg (NM_002977.4); short protein forms T966R, T977R.
Identifiers: ClinVar variation 538441 (VCV000538441.13), dbSNP rs1369602144, ClinGen allele CA349074841.
Genomic context (GRCh38, chr2:166,272,820, plus strand): 5'-TTTTTAATTCTAGTCACTGCAATCTGGAGGTTGTTTGCATCAGGGTCTTCTTCAATTGCT[G>C]TAAGATTGTCTGAACTAAATGAGCTCAATAATAAGGCCAGAAATAGGTTTAGGACCTATA-3'
Protein context (NP_001352465.1, residues 967-987): LLSSFSSDNL[Thr977Arg]AIEEDPDANN

ClinVar aggregate classification (germline): Uncertain significance. Review status: criteria provided, multiple submitters, no conflicts (2 of 4 stars). 3 submissions from 3 submitters: Uncertain significance (3). Last evaluated 2025-08-22.

Conditions:
Neuropathy, hereditary sensory and autonomic, type 2A (HSAN2A). Also called: ACROOSTEOLYSIS, GIACCAI TYPE; ACROOSTEOLYSIS, NEUROGENIC; MORVAN DISEASE; NEUROPATHY, CONGENITAL SENSORY; NEUROPATHY, HEREDITARY SENSORY RADICULAR, AUTOSOMAL RECESSIVE; NEUROPATHY, HEREDITARY SENSORY, TYPE IIA. Identifiers: Orphanet 970, MedGen C2752089, MONDO:0024309, OMIM 201300.
Generalized epilepsy with febrile seizures plus, type 7 (GEFSP7). Also called: GEFS+, TYPE 7. Identifiers: Orphanet 36387, MedGen C2751778, MONDO:0013470, OMIM 613863.
Inborn genetic diseases. Identifiers: MedGen C0950123, MeSH D030342.

Allele frequency attached by ClinVar (database versions not stated): gnomAD exomes below 0.00001 and 0.00001.
gnomAD v4.1: 6 of 1,518,524 alleles (0.0004%); highest among the groups gnomAD compares: Admixed American, 0.0023%; no homozygotes.

Submissions (3):

Ambry Genetics
Classification: Uncertain significance for Inborn genetic diseases. Last evaluated: 2025-08-22. Review status: criteria provided, single submitter. Criteria: Ambry Variant Classification Scheme 2023. Collection method: clinical testing. Allele origin: germline.

Labcorp Genetics (formerly Invitae), Labcorp
Classification: Uncertain significance for Neuropathy, hereditary sensory and autonomic, type 2A; Generalized epilepsy with febrile seizures plus, type 7. Last evaluated: 2025-07-30. Review status: criteria provided, single submitter. Criteria: Invitae Variant Classification Sherloc (09022015). Collection method: clinical testing. Allele origin: germline.
Comment: This sequence change replaces threonine, which is neutral and polar, with arginine, which is basic and polar, at codon 966 of the SCN9A protein (p.Thr966Arg). This variant is present in population databases (no rsID available, gnomAD 0.005%). This variant has not been reported in the literature in individuals affected with SCN9A-related conditions. ClinVar contains an entry for this variant (Variation ID: 538441). Invitae Evidence Modeling of protein sequence and biophysical properties (such as structural, functional, and spatial information, amino acid conservation, physicochemical variation, residue mobility, and thermodynamic stability) indicates that this missense variant is not expected to disrupt SCN9A protein function with a negative predictive value of 95%. In summary, the available evidence is currently insufficient to determine the role of this variant in disease. Therefore, it has been classified as a Variant of Uncertain Significance.

GeneDx
Classification: Uncertain significance. Last evaluated: 2019-05-30. Review status: criteria provided, single submitter. Criteria: GeneDx Variant Classification Process June 2021. Collection method: clinical testing. Allele origin: germline. Affected: yes.
Comment: In silico analysis, which includes protein predictors and evolutionary conservation, supports that this variant does not alter protein structure/function; Has not been previously published as pathogenic or benign to our knowledge